The following is an entry in ClinVar:

NM_001009944.3(PKD1):c.7864-1G>T

Gene: PKD1 (polycystin 1, transient receptor potential channel interacting; minus strand). Cytogenetic location: 16p13.3.
Variant type: single nucleotide variant.
Coding change: c.7864-1G>T on transcript NM_001009944.3 (MANE Select); the canonical splice acceptor site of the intron before coding-DNA position 7864, G replaced by T.
Molecular consequence: splice acceptor variant.
Genome position (GRCh38, 1-based): chr16:2,105,475, C>A on the plus strand (G>T on the coding strand, the complement: PKD1 is on the minus strand). VCF-style: chr16-2105475-C-A. GRCh37 (hg19) VCF-style: chr16-2155476-C-A.
Other names: c.7864-1G>T (NM_000296.4).
Identifiers: ClinVar variation 997134 (VCV000997134.1), dbSNP rs2092305301, ClinGen allele CA394366430.

ClinVar aggregate classification (germline): Pathogenic (0 of 4 stars; one submission).

Conditions:
Polycystic kidney disease. Also called: Polycystic kidney dysplasia; Kidney, Polycystic. Identifiers: MedGen C0022680, MeSH D007690, MONDO:0020642, HP:0000113.

Submission:

Department of Pathology and Laboratory Medicine, Sinai Health System
Classification: Pathogenic for Polycystic Kidney disease. Review status: no assertion criteria provided. Collection method: clinical testing. Allele origin: unknown. Affected: yes. Study: The Canadian Open Genetics Repository (COGR).
Comment: The PKD1 c.7864-1G>T variant was identified in 1 of 1400 proband chromosomes (frequency: 0.0007) from individuals or families with ADPKD (Audrezet 2012). The variant was also identified in ADPKD Mutation Database (as definitely pathogenic). The variant was not identified in dbSNP, ClinVar, LOVD 3.0, or PKD1-LOVD databases. The variant was not identified in the 1000 Genomes Project, the NHLBI GO Exome Sequencing Project or the Exome Aggregation Consortium (August 8th 2016) control databases. The c.7864-1G>T variant is predicted to cause abnormal splicing because the nucleotide substitution occurs in the invariant region of the splice consensus sequence. In addition, 5 of 5 in silico or computational prediction software programs (SpliceSiteFinder, MaxEntScan, NNSPLICE, GeneSplicer, HumanSpliceFinder) predict a greater than 10% difference in splicing. In summary, based on the above information this variant meets our laboratoryâ€šÃ„Ã´s criteria to be classified as pathogenic.